The following is an entry in ClinVar:

NM_015570.4(AUTS2):c.1632G>A (p.Thr544=)

Gene: AUTS2 (activator of transcription and developmental regulator AUTS2; plus strand). Cytogenetic location: 7q11.22.
Variant type: single nucleotide variant.
Coding change: c.1632G>A on transcript NM_015570.4 (MANE Select); coding-DNA position 1632, G replaced by A.
Protein change: p.Thr544=; no amino-acid change (threonine 544 retained).
Molecular consequence: synonymous variant.
Genome position (GRCh38, 1-based): chr7:70,766,277, G>A. VCF-style: chr7-70766277-G-A. GRCh37 (hg19) VCF-style: chr7-70231263-G-A.
Other names: c.1632G>A, p.Thr544= (NM_001127231.3).
Identifiers: ClinVar variation 702164 (VCV000702164.43), dbSNP rs41272930, ClinGen allele CA4280711.

ClinVar aggregate classification (germline): Benign. Review status: criteria provided, multiple submitters, no conflicts (2 of 4 stars). 4 submissions from 4 submitters: Benign (4). Last evaluated 2026-08-01.

Allele frequency attached by ClinVar (database versions not stated): 1000 Genomes Project 30x 0.00125; 1000 Genomes Project 0.00140; TOPMed 0.00353; gnomAD exomes 0.00397 and 0.00652; ExAC 0.00441; gnomAD 0.00485; ESP Exome Variant Server 0.00500.
gnomAD v4.1: 10,027 of 1,614,032 alleles (0.62%); highest among the groups gnomAD compares: Non-Finnish European, 0.79%; 43 homozygotes.

Submissions (4):

CeGaT Center for Human Genetics Tuebingen
Classification: Benign. Last evaluated: 2026-08-01. Review status: criteria provided, single submitter. Criteria: CeGaT Center For Human Genetics Tuebingen Variant Classification Criteria Version 2. Collection method: clinical testing. Allele origin: germline. Affected: yes. Observed: 26 variant alleles.
Comment: AUTS2: BP4, BP7, BS1, BS2

Labcorp Genetics (formerly Invitae), Labcorp
Classification: Benign. Last evaluated: 2026-02-03. Review status: criteria provided, single submitter. Criteria: Invitae Variant Classification Sherloc (09022015). Collection method: clinical testing. Allele origin: germline.

GeneDx
Classification: Benign. Last evaluated: 2018-10-17. Review status: criteria provided, single submitter. Criteria: GeneDx Variant Classification Process June 2021. Collection method: clinical testing. Allele origin: germline. Affected: yes.

Breakthrough Genomics
Classification: Benign. Review status: criteria provided, single submitter. Criteria: ACMG Guidelines, 2015. Collection method: not provided. Allele origin: germline. Inheritance: Autosomal dominant inheritance. Affected: yes.